The following is an entry in ClinVar:

NM_002691.4(POLD1):c.3252G>A (p.Lys1084=)

Gene: POLD1 (DNA polymerase delta 1, catalytic subunit; plus strand). Cytogenetic location: 19q13.33.
Variant type: single nucleotide variant.
Coding change: c.3252G>A on transcript NM_002691.4 (MANE Select); coding-DNA position 3252, G replaced by A.
Protein change: p.Lys1084=; no amino-acid change (lysine 1084 retained).
Molecular consequence: synonymous variant. On other transcripts: non-coding transcript variant (1).
Genome position (GRCh38, 1-based): chr19:50,417,875, G>A. VCF-style: chr19-50417875-G-A. GRCh37 (hg19) VCF-style: chr19-50921132-G-A.
Other names: c.3252G>A (NM_002691.2); c.3252G>A, p.Lys1084= (NM_001256849.1); c.3330G>A, p.Lys1110= (NM_001308632.1).
Identifiers: ClinVar variation 3054371 (VCV003054371.5), dbSNP rs1292518688, ClinGen allele CA508186720.

ClinVar aggregate classification (germline): Likely benign. Review status: criteria provided, multiple submitters, no conflicts (2 of 4 stars). 3 submissions from 3 submitters: Likely benign (2). 1 of the submissions does not count toward it. Last evaluated 2026-01-13.

Conditions:
Hereditary cancer-predisposing syndrome. Also called: Tumor predisposition; Neoplastic Syndromes, Hereditary; Hereditary Cancer Syndrome; Hereditary neoplastic syndrome. Identifiers: Orphanet 140162, MedGen C0027672, MeSH D009386, MONDO:0015356.
POLD1-related polyposis and colorectal cancer syndrome (CRCS10). Also called: Colorectal cancer 10; COLORECTAL CANCER, SUSCEPTIBILITY TO, ON CHROMOSOME 19q; Colorectal cancer, susceptibility to, 10. Identifiers: Orphanet 220460, MedGen C2675481, MONDO:0012953, OMIM 612591.
POLD1-related disorder. Also called: POLD1-related disorders; POLD1-related condition.

Allele frequency attached by ClinVar (database versions not stated): gnomAD exomes below 0.00001; TOPMed below 0.00001.
gnomAD v4.1: 2 of 1,610,842 alleles (0.00012%); highest among the groups gnomAD compares: African/African-American, 0.0027%; no homozygotes.

Submissions (3):

Labcorp Genetics (formerly Invitae), Labcorp
Classification: Likely benign for POLD1-related polyposis and colorectal cancer syndrome. Last evaluated: 2026-01-13. Review status: criteria provided, single submitter. Criteria: Invitae Variant Classification Sherloc (09022015). Collection method: clinical testing. Allele origin: germline.

Ambry Genetics
Classification: Likely benign for Hereditary cancer-predisposing syndrome. Last evaluated: 2024-08-17. Review status: criteria provided, single submitter. Criteria: Ambry Variant Classification Scheme 2023. Collection method: clinical testing. Allele origin: germline.

PreventionGenetics, part of Exact Sciences
Classification: Likely benign for POLD1-related condition. Last evaluated: 2022-11-11. Review status: no assertion criteria provided. Collection method: clinical testing. Allele origin: germline. Not counted in ClinVar's aggregate classification.
Comment: This variant is classified as likely benign based on ACMG/AMP sequence variant interpretation guidelines (Richards et al. 2015 PMID: 25741868, with internal and published modifications).